The following is an entry in ClinVar:

ClinVar aggregate classification (germline): Uncertain significance (1 of 4 stars; one submission).

Submission:

Labcorp Genetics (formerly Invitae), Labcorp
Classification: Uncertain significance. Last evaluated: 2020-08-04. Review status: criteria provided, single submitter. Criteria: Invitae Variant Classification Sherloc (09022015). Collection method: clinical testing. Allele origin: germline.
Comment: In summary, the available evidence is currently insufficient to determine the role of this variant in disease. Therefore, it has been classified as a Variant of Uncertain Significance. Algorithms developed to predict the effect of missense changes on protein structure and function (SIFT, PolyPhen-2, Align-GVGD) all suggest that this variant is likely to be tolerated, but these predictions have not been confirmed by published functional studies and their clinical significance is uncertain. This variant has not been reported in the literature in individuals with AHR-related conditions. This variant is not present in population databases (ExAC no frequency). This sequence change replaces glycine with valine at codon 109 of the AHR protein (p.Gly109Val). The glycine residue is moderately conserved and there is a moderate physicochemical difference between glycine and valine.

NM_001621.5(AHR):c.326G>T (p.Gly109Val)

Gene: AHR (aryl hydrocarbon receptor; plus strand). Cytogenetic location: 7p21.1.
Variant type: single nucleotide variant.
Coding change: c.326G>T on transcript NM_001621.5 (MANE Select); coding-DNA position 326, G replaced by T.
Protein change: p.Gly109Val; replaces glycine 109 with valine.
Molecular consequence: missense variant.
Genome position (GRCh38, 1-based): chr7:17,322,573, G>T. VCF-style: chr7-17322573-G-T. GRCh37 (hg19) VCF-style: chr7-17362197-G-T.
Other names: short protein forms G109V.
Identifiers: ClinVar variation 1005812 (VCV001005812.8), dbSNP rs199498192, ClinGen allele CA366890172.